The following is an entry in ClinVar:

ClinVar aggregate classification (germline): Uncertain significance (1 of 4 stars; one submission).

Conditions:
Dilated cardiomyopathy 1O (CMD1O). Also called: CARDIOMYOPATHY, DILATED, WITH VENTRICULAR TACHYCARDIA. Identifiers: Orphanet 154, MedGen C1837839, MONDO:0012062, OMIM 608569.

gnomAD v4.1: 1 of 1,612,524 alleles (0.000062%); highest among the groups gnomAD compares: South Asian, 0.0011%; no homozygotes.

Submission:

Labcorp Genetics (formerly Invitae), Labcorp
Classification: Uncertain significance for Dilated cardiomyopathy 1O. Last evaluated: 2022-03-09. Review status: criteria provided, single submitter. Criteria: Invitae Variant Classification Sherloc (09022015). Collection method: clinical testing. Allele origin: germline.
Comment: This variant has not been reported in the literature in individuals affected with ABCC9-related conditions. This variant is not present in population databases (gnomAD no frequency). This sequence change replaces proline, which is neutral and non-polar, with arginine, which is basic and polar, at codon 199 of the ABCC9 protein (p.Pro199Arg). ClinVar contains an entry for this variant (Variation ID: 1020773). In summary, the available evidence is currently insufficient to determine the role of this variant in disease. Therefore, it has been classified as a Variant of Uncertain Significance. Algorithms developed to predict the effect of sequence changes on RNA splicing suggest that this variant may disrupt the consensus splice site. Algorithms developed to predict the effect of missense changes on protein structure and function are either unavailable or do not agree on the potential impact of this missense change (SIFT: "Deleterious"; PolyPhen-2: "Possibly Damaging"; Align-GVGD: "Class C0").

NM_020297.4(ABCC9):c.596C>G (p.Pro199Arg)

Gene: ABCC9 (ATP binding cassette subfamily C member 9; minus strand). Cytogenetic location: 12p12.1.
Variant type: single nucleotide variant.
Coding change: c.596C>G on transcript NM_020297.4 (MANE Select); coding-DNA position 596, C replaced by G.
Protein change: p.Pro199Arg; replaces proline 199 with arginine.
Molecular consequence: missense variant. On other transcripts: intron variant (1).
Genome position (GRCh38, 1-based): chr12:21,915,888, G>C on the plus strand (C>G on the coding strand, the complement: ABCC9 is on the minus strand). VCF-style: chr12-21915888-G-C. GRCh37 (hg19) VCF-style: chr12-22068822-G-C.
Other names: c.596C>G, p.Pro199Arg (NM_001377273.1, NM_005691.4); c.-48-2822C>G (NM_001377274.1); short protein forms P199R.
Identifiers: ClinVar variation 1020773 (VCV001020773.8), dbSNP rs1948582454, ClinGen allele CA384124898.